The following is an entry in ClinVar:

ClinVar aggregate classification (germline): Uncertain significance (1 of 4 stars; one submission).

Allele frequency attached by ClinVar (database versions not stated): TOPMed below 0.00001.
gnomAD v4.1: 2 of 1,613,180 alleles (0.00012%); highest among the groups gnomAD compares: Non-Finnish European, 0.00017%; no homozygotes.

Submission:

Labcorp Genetics (formerly Invitae), Labcorp
Classification: Uncertain significance. Last evaluated: 2022-05-25. Review status: criteria provided, single submitter. Criteria: Invitae Variant Classification Sherloc (09022015). Collection method: clinical testing. Allele origin: germline.
Comment: This variant has not been reported in the literature in individuals affected with COLGALT1-related conditions. Algorithms developed to predict the effect of sequence changes on RNA splicing suggest that this variant may disrupt the consensus splice site. In summary, the available evidence is currently insufficient to determine the role of this variant in disease. Therefore, it has been classified as a Variant of Uncertain Significance. This variant is not present in population databases (gnomAD no frequency). This sequence change falls in intron 11 of the COLGALT1 gene. It does not directly change the encoded amino acid sequence of the COLGALT1 protein.

NM_024656.4(COLGALT1):c.1601+8G>A

Gene: COLGALT1 (collagen beta(1-O)galactosyltransferase 1; plus strand). Cytogenetic location: 19p13.11.
Variant type: single nucleotide variant.
Coding change: c.1601+8G>A on transcript NM_024656.4 (MANE Select); 8 bases into the intron after coding-DNA position 1601, G replaced by A.
Molecular consequence: intron variant.
Genome position (GRCh38, 1-based): chr19:17,580,913, G>A. VCF-style: chr19-17580913-G-A. GRCh37 (hg19) VCF-style: chr19-17691722-G-A.
Identifiers: ClinVar variation 2109337 (VCV002109337.4), dbSNP rs1215928593, ClinGen allele CA783840262.